The following is an entry in ClinVar:

NM_022454.4(SOX17):c.413G>C (p.Arg138Pro)

Gene: SOX17 (SRY-box transcription factor 17; plus strand). Cytogenetic location: 8q11.23.
Variant type: single nucleotide variant.
Coding change: c.413G>C on transcript NM_022454.4 (MANE Select); coding-DNA position 413, G replaced by C.
Protein change: p.Arg138Pro; replaces arginine 138 with proline.
Molecular consequence: missense variant.
Genome position (GRCh38, 1-based): chr8:54,459,163, G>C. VCF-style: chr8-54459163-G-C. GRCh37 (hg19) VCF-style: chr8-55371723-G-C.
Other names: short protein forms R138P.
Identifiers: ClinVar variation 4530598 (VCV004530598.2).

ClinVar aggregate classification (germline): Likely pathogenic (1 of 4 stars; one submission).

Conditions:
Pulmonary hypertension, primary, 7. Identifiers: MedGen C6012740, MONDO:0979237, OMIM 621248.

Submission:

Department of Human Genetics, Hannover Medical School
Classification: Likely pathogenic for Pulmonary hypertension, primary, 7. Last evaluated: 2025-11-21. Review status: criteria provided, single submitter. Criteria: ACMG Guidelines, 2015. Collection method: clinical testing. Allele origin: germline. Inheritance: Autosomal dominant inheritance. Affected: yes.
Comment: ACMG/ClinGen: PS4_Supporting, PM2_Supporting, PP1_Strong, PP2, PP3_Moderate; PMID: 35346192, 35618278